The following is an entry in ClinVar:

ClinVar aggregate classification (germline): Uncertain significance (1 of 4 stars; one submission).

Conditions:
Hereditary cancer-predisposing syndrome. Also called: Neoplastic Syndromes, Hereditary; Tumor predisposition; Hereditary Cancer Syndrome; Hereditary neoplastic syndrome. Identifiers: Orphanet 140162, MedGen C0027672, MeSH D009386, MONDO:0015356.

Submission:

Ambry Genetics
Classification: Uncertain significance for Hereditary cancer-predisposing syndrome. Last evaluated: 2026-04-23. Review status: criteria provided, single submitter. Criteria: Ambry Variant Classification Scheme 2023. Collection method: clinical testing. Allele origin: germline.
Comment: The p.S490T variant (also known as c.1468T>A), located in coding exon 10 of the MSH3 gene, results from a T to A substitution at nucleotide position 1468. The serine at codon 490 is replaced by threonine, an amino acid with similar properties. This amino acid position is conserved. In addition, this alteration is predicted to be tolerated by in silico analysis. Based on the available evidence, the clinical significance of this variant remains unclear.

NM_002439.5(MSH3):c.1468T>A (p.Ser490Thr)

Gene: MSH3 (mutS homolog 3; plus strand). Cytogenetic location: 5q14.1.
Variant type: single nucleotide variant.
Coding change: c.1468T>A on transcript NM_002439.5 (MANE Select); coding-DNA position 1468, T replaced by A.
Protein change: p.Ser490Thr; replaces serine 490 with threonine.
Molecular consequence: missense variant.
Genome position (GRCh38, 1-based): chr5:80,728,865, T>A. VCF-style: chr5-80728865-T-A. GRCh37 (hg19) VCF-style: chr5-80024684-T-A.
Other names: short protein forms S490T.
Identifiers: ClinVar variation 4860336 (VCV004860336.1).